The following is an entry in ClinVar:

NM_032043.3(BRIP1):c.3311A>T (p.Glu1104Val)

Gene: BRIP1 (BRCA1 interacting DNA helicase 1; minus strand). Cytogenetic location: 17q23.2.
Variant type: single nucleotide variant.
Coding change: c.3311A>T on transcript NM_032043.3 (MANE Select); coding-DNA position 3311, A replaced by T.
Protein change: p.Glu1104Val; replaces glutamic acid 1104 with valine.
Molecular consequence: missense variant.
Genome position (GRCh38, 1-based): chr17:61,683,735, T>A on the plus strand (A>T on the coding strand, the complement: BRIP1 is on the minus strand). VCF-style: chr17-61683735-T-A. GRCh37 (hg19) VCF-style: chr17-59761096-T-A.
Other names: short protein forms E1104V.
Identifiers: ClinVar variation 628185 (VCV000628185.16), dbSNP rs1567728360, ClinGen allele CA400479005.

ClinVar aggregate classification (germline): Uncertain significance. Review status: criteria provided, multiple submitters, no conflicts (2 of 4 stars). 5 submissions from 5 submitters: Uncertain significance (5). Last evaluated 2025-11-13.

Conditions:
Familial cancer of breast. Also called: BREAST CANCER, FAMILIAL; Hereditary breast cancer; hereditary breast carcinoma. Identifiers: Orphanet 227535, MedGen C0346153, MONDO:0016419, OMIM 114480. Disease mechanism: loss of function.
Fanconi anemia complementation group J. Also called: BRIP1-Related Fanconi Anemia. Identifiers: Orphanet 84, MedGen C1836860, MONDO:0012187, OMIM 609054.
Hereditary cancer-predisposing syndrome. Also called: Tumor predisposition; Neoplastic Syndromes, Hereditary; Hereditary Cancer Syndrome; Hereditary neoplastic syndrome. Identifiers: Orphanet 140162, MedGen C0027672, MeSH D009386, MONDO:0015356.

Submissions (5):

Labcorp Genetics (formerly Invitae), Labcorp
Classification: Uncertain significance for Familial cancer of breast; Fanconi anemia complementation group J. Last evaluated: 2025-11-13. Review status: criteria provided, single submitter. Criteria: Invitae Variant Classification Sherloc (09022015). Collection method: clinical testing. Allele origin: germline.
Comment: This sequence change replaces glutamic acid, which is acidic and polar, with valine, which is neutral and non-polar, at codon 1104 of the BRIP1 protein (p.Glu1104Val). This variant is not present in population databases (gnomAD no frequency). This variant has not been reported in the literature in individuals affected with BRIP1-related conditions. ClinVar contains an entry for this variant (Variation ID: 628185). Invitae Evidence Modeling of protein sequence and biophysical properties (such as structural, functional, and spatial information, amino acid conservation, physicochemical variation, residue mobility, and thermodynamic stability) indicates that this missense variant is not expected to disrupt BRIP1 protein function with a negative predictive value of 95%. In summary, the available evidence is currently insufficient to determine the role of this variant in disease. Therefore, it has been classified as a Variant of Uncertain Significance.

GeneDx
Classification: Uncertain significance. Last evaluated: 2024-02-27. Review status: criteria provided, single submitter. Criteria: GeneDx Variant Classification Process June 2021. Collection method: clinical testing. Allele origin: germline. Affected: yes.
Comment: Not observed at significant frequency in large population cohorts (gnomAD); In silico analysis supports that this missense variant does not alter protein structure/function; Has not been previously published as pathogenic or benign to our knowledge

Ambry Genetics
Classification: Uncertain significance for Hereditary cancer-predisposing syndrome. Last evaluated: 2024-02-24. Review status: criteria provided, single submitter. Criteria: Ambry Variant Classification Scheme 2023. Collection method: clinical testing. Allele origin: germline.
Comment: The p.E1104V variant (also known as c.3311A>T), located in coding exon 19 of the BRIP1 gene, results from an A to T substitution at nucleotide position 3311. The glutamic acid at codon 1104 is replaced by valine, an amino acid with dissimilar properties. This amino acid position is conserved. In addition, this alteration is predicted to be tolerated by in silico analysis. Since supporting evidence is limited at this time, the clinical significance of this alteration remains unclear.

Color Diagnostics, LLC DBA Color Health
Classification: Uncertain significance for Hereditary cancer-predisposing syndrome. Last evaluated: 2023-12-04. Review status: criteria provided, single submitter. Criteria: ACMG Guidelines, 2015. Collection method: clinical testing. Allele origin: germline.
Comment: This missense variant replaces glutamic acid with valine at codon 1104 of the BRIP1 protein. Computational prediction suggests that this variant may not impact protein structure and function (internally defined REVEL score threshold <= 0.5, PMID: 27666373). To our knowledge, functional studies have not been reported for this variant. This variant has not been reported in individuals affected with BRIP1-related disorders in the literature. This variant has not been identified in the general population by the Genome Aggregation Database (gnomAD). The available evidence is insufficient to determine the role of this variant in disease conclusively. Therefore, this variant is classified as a Variant of Uncertain Significance.

Baylor Genetics
Classification: Uncertain significance for Familial cancer of breast. Last evaluated: 2023-09-13. Review status: criteria provided, single submitter. Criteria: ACMG Guidelines, 2015. Collection method: clinical testing. Allele origin: unknown.